The following is an entry in ClinVar:

NM_017617.5(NOTCH1):c.4048C>T (p.Arg1350Cys)

Gene: NOTCH1 (notch receptor 1; minus strand). Cytogenetic location: 9q34.3.
Variant type: single nucleotide variant.
Coding change: c.4048C>T on transcript NM_017617.5 (MANE Select); coding-DNA position 4048, C replaced by T.
Protein change: p.Arg1350Cys; replaces arginine 1350 with cysteine.
Molecular consequence: missense variant.
Genome position (GRCh38, 1-based): chr9:136,505,848, G>A on the plus strand (C>T on the coding strand, the complement: NOTCH1 is on the minus strand). VCF-style: chr9-136505848-G-A. GRCh37 (hg19) VCF-style: chr9-139400300-G-A.
Other names: short protein forms R1350C.
Identifiers: ClinVar variation 3381613 (VCV003381613.1).

ClinVar aggregate classification (germline): Uncertain significance (1 of 4 stars; one submission).

gnomAD v4.1: 2 of 1,595,146 alleles (0.00013%); highest among the groups gnomAD compares: Non-Finnish European, 0.00017%; no homozygotes.

Submission:

GeneDx
Classification: Uncertain significance. Last evaluated: 2024-05-20. Review status: criteria provided, single submitter. Criteria: GeneDx Variant Classification Process June 2021. Collection method: clinical testing. Allele origin: germline. Affected: yes.
Comment: Not observed at significant frequency in large population cohorts (gnomAD); In silico analysis supports that this missense variant has a deleterious effect on protein structure/function; Has not been previously published as pathogenic or benign to our knowledge